The following is an entry in ClinVar:

NM_000388.4(CASR):c.1547A>G (p.Lys516Arg)

Gene: CASR (calcium sensing receptor; plus strand). Cytogenetic location: 3q21.1.
Variant type: single nucleotide variant.
Coding change: c.1547A>G on transcript NM_000388.4 (MANE Select); coding-DNA position 1547, A replaced by G.
Protein change: p.Lys516Arg; replaces lysine 516 with arginine.
Molecular consequence: missense variant.
Genome position (GRCh38, 1-based): chr3:122,275,981, A>G. VCF-style: chr3-122275981-A-G. GRCh37 (hg19) VCF-style: chr3-121994828-A-G.
Other names: c.1547A>G, p.Lys516Arg (NM_001178065.2); short protein forms K516R.
Identifiers: ClinVar variation 3231506 (VCV003231506.1), dbSNP rs2473258284, ClinGen allele CA354155368.
Genomic context (GRCh38, chr3:122,275,981, plus strand): 5'-TCTCCCCAGAGGATGGCTCCATCGTGTTTAAGGAAGTCGGGTATTACAACGTCTATGCCA[A>G]GAAGGGAGAAAGACTCTTCATCAACGAGGAGAAAATCCTGTGGAGTGGGTTCTCCAGGGA-3'
Protein context (NP_000379.3, residues 506-526): KEVGYYNVYA[Lys516Arg]KGERLFINEE

ClinVar aggregate classification (germline): Uncertain significance (1 of 4 stars; one submission).

Conditions:
Nephrolithiasis/nephrocalcinosis. Identifiers: MedGen CN580796.

Submission:

Ambry Genetics
Classification: Uncertain significance for Nephrolithiasis/nephrocalcinosis. Last evaluated: 2023-05-12. Review status: criteria provided, single submitter. Criteria: Ambry Variant Classification Scheme 2023. Collection method: clinical testing. Allele origin: germline.
Comment: The p.K516R variant (also known as c.1547A>G), located in coding exon 4 of the CASR gene, results from an A to G substitution at nucleotide position 1547. The lysine at codon 516 is replaced by arginine, an amino acid with highly similar properties. This amino acid position is conserved. In addition, this alteration is predicted to be tolerated by in silico analysis. Since supporting evidence is limited at this time, the clinical significance of this alteration remains unclear.